The following is an entry in ClinVar:

ClinVar aggregate classification (germline): Pathogenic (1 of 4 stars; one submission).

Conditions:
Primary ciliary dyskinesia. Also called: Ciliary dyskinesia. Identifiers: Orphanet 244, MedGen C0008780, MONDO:0016575, HP:0012265.

Submission:

Labcorp Genetics (formerly Invitae), Labcorp
Classification: Pathogenic for Primary ciliary dyskinesia. Last evaluated: 2022-06-05. Review status: criteria provided, single submitter. Criteria: Invitae Variant Classification Sherloc (09022015). Collection method: clinical testing. Allele origin: germline.
Comment: A gross deletion of the genomic region encompassing the full coding sequence of the DNAAF5 gene has been identified. Loss-of-function variants in DNAAF5 are known to be pathogenic (PMID: 24307375, 25232951). The boundaries of this event are unknown as they extend beyond the assayed region for this gene and therefore may encompass additional genes. A similar copy number variant has been observed in individual(s) with primary ciliary dyskinesia (Invitae). In at least one individual the data is consistent with being in trans (on the opposite chromosome) from a pathogenic variant. For these reasons, this variant has been classified as Pathogenic.

Literature cited by the submitters: PubMed 24307375; PubMed 25232951.

NC_000007.13:g.(?_766358)_(825290_?)del

Genes: DNAAF5 (dynein axonemal assembly factor 5; plus strand), PRKAR1B (protein kinase cAMP-dependent type I regulatory subunit beta; minus strand). Cytogenetic location: 7p22.3.
Variant type: Deletion.
Identifiers: ClinVar variation 2426354 (VCV002426354.11).